The following is an entry in ClinVar:

ClinVar aggregate classification (germline): Uncertain significance. Review status: criteria provided, multiple submitters, no conflicts (2 of 4 stars). 3 submissions from 3 submitters: Uncertain significance (3). Last evaluated 2024-12-04.

Conditions:
Hyperkalemic periodic paralysis. Also called: Familial hyperkalemic periodic paralysis; Gamstorp disease. Identifiers: Orphanet 682, MedGen C0238357, MONDO:0008224, OMIM 170500, HP:0007215.
Congenital myopathy 22A, classic (CMYO22A). Identifiers: MedGen C5830453, MONDO:0957247, OMIM 620351.
Potassium-aggravated myotonia. Also called: MYOTONIA CONGENITA, ACETAZOLAMIDE-RESPONSIVE; MYOTONIA CONGENITA, ATYPICAL; SODIUM CHANNEL MUSCLE DISEASE; Myotonia congenita, atypical, acetazolamide-responsive. Identifiers: Orphanet 612, Orphanet 99734, Orphanet 99735, Orphanet 99736, MedGen C2931826, MONDO:0018959, OMIM 608390.
Hypokalemic periodic paralysis, type 2 (HOKPP2). Identifiers: Orphanet 681, MedGen C2750061, MONDO:0013234, OMIM 613345.
Congenital myopathy 22B, severe fetal (CMYO22B). Identifiers: MedGen C5830501, MONDO:0957265, OMIM 620369.
Congenital myasthenic syndrome 16. Identifiers: Orphanet 590, MedGen C3280112, MONDO:0013620, OMIM 614198.
Paramyotonia congenita of Von Eulenburg. Also called: PARALYSIS PERIODICA PARAMYOTONICA; Eulenburg disease; Myotonia congenita intermittens; Von Eulenburg paramyotonia congenita; Paramyotonia Congenita. Identifiers: Orphanet 684, MedGen C0221055, MONDO:0008195, OMIM 168300. Disease mechanism: loss of function.

Allele frequency attached by ClinVar (database versions not stated): gnomAD 0.00001; gnomAD exomes below 0.00001; TOPMed 0.00001.
gnomAD v4.1: 9 of 1,613,904 alleles (0.00056%); highest among the groups gnomAD compares: Non-Finnish European, 0.00059%; no homozygotes.

Submissions (3):

Labcorp Genetics (formerly Invitae), Labcorp
Classification: Uncertain significance for Hyperkalemic periodic paralysis. Last evaluated: 2024-12-04. Review status: criteria provided, single submitter. Criteria: Invitae Variant Classification Sherloc (09022015). Collection method: clinical testing. Allele origin: germline.
Comment: This sequence change replaces arginine, which is basic and polar, with histidine, which is basic and polar, at codon 1408 of the SCN4A protein (p.Arg1408His). This variant is present in population databases (no rsID available, gnomAD 0.006%). This variant has not been reported in the literature in individuals affected with SCN4A-related conditions. ClinVar contains an entry for this variant (Variation ID: 1985562). Invitae Evidence Modeling of protein sequence and biophysical properties (such as structural, functional, and spatial information, amino acid conservation, physicochemical variation, residue mobility, and thermodynamic stability) has been performed for this missense variant. However, the output from this modeling did not meet the statistical confidence thresholds required to predict the impact of this variant on SCN4A protein function. In summary, the available evidence is currently insufficient to determine the role of this variant in disease. Therefore, it has been classified as a Variant of Uncertain Significance.

Blueprint Genetics
Classification: Uncertain significance. Last evaluated: 2024-07-10. Review status: criteria provided, single submitter. Criteria: ACMG Guidelines, 2015. Collection method: clinical testing. Allele origin: germline.

Fulgent Genetics
Classification: Uncertain significance for Paramyotonia congenita of Von Eulenburg; Hyperkalemic periodic paralysis; Potassium-aggravated myotonia; Hypokalemic periodic paralysis, type 2; Congenital myasthenic syndrome 16; Congenital myopathy 22A, classic; Congenital myopathy 22B, severe fetal. Last evaluated: 2024-03-28. Review status: criteria provided, single submitter. Criteria: ACMG Guidelines, 2015. Collection method: clinical testing. Allele origin: germline.

NM_000334.4(SCN4A):c.4223G>A (p.Arg1408His)

Genes: GH-LCR (growth hormone locus control region; plus strand), SCN4A (sodium voltage-gated channel alpha subunit 4; minus strand). Cytogenetic location: 17q23.3.
Variant type: single nucleotide variant.
Coding change: c.4223G>A on transcript NM_000334.4 (MANE Select); coding-DNA position 4223, G replaced by A.
Protein change: p.Arg1408His; replaces arginine 1408 with histidine.
Molecular consequence: missense variant.
Genome position (GRCh38, 1-based): chr17:63,942,891, C>T on the plus strand (G>A on the coding strand, the complement: SCN4A is on the minus strand). VCF-style: chr17-63942891-C-T. GRCh37 (hg19) VCF-style: chr17-62020251-C-T.
Other names: short protein forms R1408H.
Identifiers: ClinVar variation 1985562 (VCV001985562.6), dbSNP rs1214960715, ClinGen allele CA400616457.